The following is an entry in ClinVar:

ClinVar aggregate classification (germline): Uncertain significance (1 of 4 stars; one submission).

Conditions:
Nemaline myopathy 2 (NEM2). Also called: Nemaline myopathy 2, autosomal recessive. Identifiers: MedGen C1850569, MONDO:0009725, OMIM 256030.

Allele frequency attached by ClinVar (database versions not stated): TOPMed 0.00001.
gnomAD v4.1: 3 of 1,604,970 alleles (0.00019%); highest among the groups gnomAD compares: Non-Finnish European, 0.00025%; no homozygotes.

Submission:

Labcorp Genetics (formerly Invitae), Labcorp
Classification: Uncertain significance for Nemaline myopathy 2. Last evaluated: 2024-12-31. Review status: criteria provided, single submitter. Criteria: Invitae Variant Classification Sherloc (09022015). Collection method: clinical testing. Allele origin: germline.
Comment: This sequence change replaces aspartic acid, which is acidic and polar, with glutamic acid, which is acidic and polar, at codon 5706 of the NEB protein (p.Asp5706Glu). This variant is not present in population databases (gnomAD no frequency). This variant has not been reported in the literature in individuals affected with NEB-related conditions. ClinVar contains an entry for this variant (Variation ID: 971596). Experimental studies and prediction algorithms are not available or were not evaluated, and the functional significance of this variant is currently unknown. In summary, the available evidence is currently insufficient to determine the role of this variant in disease. Therefore, it has been classified as a Variant of Uncertain Significance.

NM_001164508.2(NEB):c.17118C>A (p.Asp5706Glu)

Gene: NEB (nebulin; minus strand). Cytogenetic location: 2q23.3.
Variant type: single nucleotide variant.
Coding change: c.17118C>A on transcript NM_001164508.2 (MANE Select); coding-DNA position 17118, C replaced by A.
Protein change: p.Asp5706Glu; replaces aspartic acid 5706 with glutamic acid.
Molecular consequence: missense variant.
Genome position (GRCh38, 1-based): chr2:151,570,497, G>T on the plus strand (C>A on the coding strand, the complement: NEB is on the minus strand). VCF-style: chr2-151570497-G-T. GRCh37 (hg19) VCF-style: chr2-152427011-G-T.
Other names: c.17118C>A, p.Asp5706Glu (NM_001164507.2, NM_001271208.2); c.12015C>A, p.Asp4005Glu (NM_004543.5); short protein forms D4005E, D5706E.
Identifiers: ClinVar variation 971596 (VCV000971596.6), dbSNP rs769476760, ClinGen allele CA348808551.